The following is an entry in ClinVar:

NM_016097.5(IER3IP1):c.106G>C (p.Asp36His)

Gene: IER3IP1 (immediate early response 3 interacting protein 1; minus strand). Cytogenetic location: 18q21.1.
Variant type: single nucleotide variant.
Coding change: c.106G>C on transcript NM_016097.5 (MANE Select); coding-DNA position 106, G replaced by C.
Protein change: p.Asp36His; replaces aspartic acid 36 with histidine.
Molecular consequence: missense variant.
Genome position (GRCh38, 1-based): chr18:47,157,523, C>G on the plus strand (G>C on the coding strand, the complement: IER3IP1 is on the minus strand). VCF-style: chr18-47157523-C-G. GRCh37 (hg19) VCF-style: chr18-44683894-C-G.
Other names: short protein forms D36H.
Identifiers: ClinVar variation 857870 (VCV000857870.10), dbSNP rs2063965398, ClinGen allele CA402490234.

ClinVar aggregate classification (germline): Uncertain significance (1 of 4 stars; one submission).

Conditions:
Microcephaly, epilepsy, and diabetes syndrome. Identifiers: Orphanet 306558, MedGen C3280240, MONDO:0100328.

Submission:

Labcorp Genetics (formerly Invitae), Labcorp
Classification: Uncertain significance for Microcephaly, epilepsy, and diabetes syndrome. Last evaluated: 2019-02-17. Review status: criteria provided, single submitter. Criteria: Invitae Variant Classification Sherloc (09022015). Collection method: clinical testing. Allele origin: germline.
Comment: In summary, the available evidence is currently insufficient to determine the role of this variant in disease. Therefore, it has been classified as a Variant of Uncertain Significance. Algorithms developed to predict the effect of missense changes on protein structure and function are either unavailable or do not agree on the potential impact of this missense change (SIFT: "Tolerated"; PolyPhen-2: "Probably Damaging"; Align-GVGD: "Class C0"). This variant has not been reported in the literature in individuals with IER3IP1-related conditions. This variant is not present in population databases (ExAC no frequency). This sequence change replaces aspartic acid with histidine at codon 36 of the IER3IP1 protein (p.Asp36His). The aspartic acid residue is moderately conserved and there is a moderate physicochemical difference between aspartic acid and histidine.